The following is an entry in ClinVar:

ClinVar aggregate classification (germline): Pathogenic (1 of 4 stars; one submission).

Submission:

Labcorp Genetics (formerly Invitae), Labcorp
Classification: Pathogenic. Last evaluated: 2021-10-28. Review status: criteria provided, single submitter. Criteria: Invitae Variant Classification Sherloc (09022015). Collection method: clinical testing. Allele origin: germline.
Comment: For these reasons, this variant has been classified as Pathogenic. Algorithms developed to predict the effect of sequence changes on RNA splicing suggest that this variant may disrupt the consensus splice site. This variant has not been reported in the literature in individuals affected with USH2A-related conditions. This variant is not present in population databases (gnomAD no frequency). This sequence change creates a premature translational stop signal (p.Met162Ilefs*35) in the USH2A gene. It is expected to result in an absent or disrupted protein product. Loss-of-function variants in USH2A are known to be pathogenic (PMID: 10729113, 10909849, 20507924, 25649381).

Literature cited by the submitters: PubMed 10729113; PubMed 10909849; PubMed 20507924; PubMed 25649381.

NC_000001.11:g.216418542_216418680del

Gene: USH2A (usherin; minus strand). Cytogenetic location: 1q41.
Variant type: Deletion.
Genome position: GRCh38: chr1:216,418,542-216,418,680. GRCh37 (hg19): chr1:216,591,884-216,592,022.
Identifiers: ClinVar variation 1457030 (VCV001457030.6), dbSNP rs2102783758, ClinGen allele CA2573132657.